The following is an entry in ClinVar:

NM_004370.6(COL12A1):c.2820A>C (p.Lys940Asn)

Gene: COL12A1 (collagen type XII alpha 1 chain; minus strand). Cytogenetic location: 6q13.
Variant type: single nucleotide variant.
Coding change: c.2820A>C on transcript NM_004370.6 (MANE Select); coding-DNA position 2820, A replaced by C.
Protein change: p.Lys940Asn; replaces lysine 940 with asparagine.
Molecular consequence: missense variant. On other transcripts: intron variant (1).
Genome position (GRCh38, 1-based): chr6:75,165,670, T>G on the plus strand (A>C on the coding strand, the complement: COL12A1 is on the minus strand). VCF-style: chr6-75165670-T-G. GRCh37 (hg19) VCF-style: chr6-75875386-T-G.
Other names: p.Lys940Asn; c.74-13188A>C (NM_080645.3); c.2820A>C (NM_004370.5); short protein forms K940N.
Identifiers: ClinVar variation 2413722 (VCV002413722.9), dbSNP rs1173477060, ClinGen allele CA364758288.
Genomic context (GRCh38, chr6:75,165,670, plus strand): 5'-CGTATGAATTGCATCTTCAGGCAGATTTTTCTCTCCAGTGTCAACATCATCATAAAGTGA[T>G]TTCCATGAGACCCTGTAACCGCGAACCATTCCTGGAGCAGATGTCCAATAAGCCCCAATT-3'
Protein context (NP_004361.3, residues 930-950): GMVRGYRVSW[Lys940Asn]SLYDDVDTGE

ClinVar aggregate classification (germline): Uncertain significance. Review status: criteria provided, multiple submitters, no conflicts (2 of 4 stars). 3 submissions from 3 submitters: Uncertain significance (3). Last evaluated 2025-07-03.

Conditions:
Inborn genetic diseases. Identifiers: MedGen C0950123, MeSH D030342.
Ullrich congenital muscular dystrophy 2 (UCMD2). Identifiers: Orphanet 75840, MedGen C4225314, MONDO:0014654, OMIM 616470.
Bethlem myopathy 2 (BTHLM2). Identifiers: Orphanet 536516, Orphanet 610, MedGen C4225313, MONDO:0034022, OMIM 616471.

Allele frequency attached by ClinVar (database versions not stated): gnomAD exomes below 0.00001; TOPMed 0.00001.
gnomAD v4.1: 6 of 1,614,008 alleles (0.00037%); highest among the groups gnomAD compares: Middle Eastern, 0.016%; no homozygotes.

Submissions (3):

Ambry Genetics
Classification: Uncertain significance for Inborn genetic diseases. Last evaluated: 2025-07-03. Review status: criteria provided, single submitter. Criteria: Ambry Variant Classification Scheme 2023. Collection method: clinical testing. Allele origin: germline.

Mayo Clinic Laboratories, Mayo Clinic
Classification: Uncertain significance. Last evaluated: 2024-01-03. Review status: criteria provided, single submitter. Criteria: ACMG Guidelines, 2015. Collection method: clinical testing. Allele origin: germline. Observed: 1 variant allele.
Comment: BP4

Labcorp Genetics (formerly Invitae), Labcorp
Classification: Uncertain significance for Bethlem myopathy 2; Ullrich congenital muscular dystrophy 2. Last evaluated: 2022-07-23. Review status: criteria provided, single submitter. Criteria: Invitae Variant Classification Sherloc (09022015). Collection method: clinical testing. Allele origin: germline.
Comment: In summary, the available evidence is currently insufficient to determine the role of this variant in disease. Therefore, it has been classified as a Variant of Uncertain Significance. Algorithms developed to predict the effect of missense changes on protein structure and function are either unavailable or do not agree on the potential impact of this missense change (SIFT: "Deleterious"; PolyPhen-2: "Benign"; Align-GVGD: "Class C0"). This variant has not been reported in the literature in individuals affected with COL12A1-related conditions. This variant is present in population databases (no rsID available, gnomAD 0.003%). This sequence change replaces lysine, which is basic and polar, with asparagine, which is neutral and polar, at codon 940 of the COL12A1 protein (p.Lys940Asn).